The following is an entry in ClinVar:

NM_144573.4(NEXN):c.1422G>C (p.Arg474Ser)

Gene: NEXN (nexilin F-actin binding protein; plus strand). Cytogenetic location: 1p31.1.
Variant type: single nucleotide variant.
Coding change: c.1422G>C on transcript NM_144573.4 (MANE Select); coding-DNA position 1422, G replaced by C.
Protein change: p.Arg474Ser; replaces arginine 474 with serine.
Molecular consequence: missense variant.
Genome position (GRCh38, 1-based): chr1:77,935,993, G>C. VCF-style: chr1-77935993-G-C. GRCh37 (hg19) VCF-style: chr1-78401678-G-C.
Other names: c.1230G>C, p.Arg410Ser (NM_001172309.2); short protein forms R410S, R474S.
Identifiers: ClinVar variation 1488557 (VCV001488557.6), dbSNP rs775204901, ClinGen allele CA340879318.
Genomic context (GRCh38, chr1:77,935,993, plus strand): 5'-AATTGGACAGTTGTCTGAAAAAGAAATACAGAAAAAAATAGAAGAAGAGCGAGCAAGAAG[G>C]AGAGCAATTGACCTTGAAATTAAAGAGCGAGAAGCTGAAAATTTTCATGAGGTATATTAC-3'
Protein context (NP_653174.3, residues 464-484): QKKIEEERAR[Arg474Ser]RAIDLEIKER

ClinVar aggregate classification (germline): Uncertain significance (1 of 4 stars; one submission).

Conditions:
Hypertrophic cardiomyopathy 20. Identifiers: MedGen C3151267, MONDO:0013477, OMIM 613876.
Dilated cardiomyopathy 1CC (CMD1CC). Identifiers: Orphanet 154, MedGen C2751084, MONDO:0013147, OMIM 613122.

Submission:

Labcorp Genetics (formerly Invitae), Labcorp
Classification: Uncertain significance for Dilated cardiomyopathy 1CC; Hypertrophic cardiomyopathy 20. Last evaluated: 2021-08-18. Review status: criteria provided, single submitter. Criteria: Invitae Variant Classification Sherloc (09022015). Collection method: clinical testing. Allele origin: germline.
Comment: This sequence change replaces arginine with serine at codon 474 of the NEXN protein (p.Arg474Ser). The arginine residue is highly conserved and there is a moderate physicochemical difference between arginine and serine. In summary, the available evidence is currently insufficient to determine the role of this variant in disease. Therefore, it has been classified as a Variant of Uncertain Significance. Algorithms developed to predict the effect of missense changes on protein structure and function are either unavailable or do not agree on the potential impact of this missense change (SIFT: "Deleterious"; PolyPhen-2: "Probably Damaging"; Align-GVGD: "Class C0"). This variant has not been reported in the literature in individuals affected with NEXN-related conditions. This variant is not present in population databases (ExAC no frequency).